The following is an entry in ClinVar:

NM_020975.6(RET):c.937C>T (p.Arg313Trp)

Gene: RET (ret proto-oncogene; plus strand). Cytogenetic location: 10q11.21.
Variant type: single nucleotide variant.
Coding change: c.937C>T on transcript NM_020975.6 (MANE Select); coding-DNA position 937, C replaced by T.
Protein change: p.Arg313Trp; replaces arginine 313 with tryptophan.
Molecular consequence: missense variant.
Genome position (GRCh38, 1-based): chr10:43,106,445, C>T. VCF-style: chr10-43106445-C-T. GRCh37 (hg19) VCF-style: chr10-43601893-C-T.
Other names: c.937C>T, p.Arg313Trp (NM_000323.2, NM_001406743.1, NM_001406744.1 and 6 more transcripts); c.175C>T, p.Arg59Trp (NM_001355216.2); c.808C>T, p.Arg270Trp (NM_001406761.1, NM_001406762.1, NM_001406764.1 and 1 more transcripts); c.649C>T, p.Arg217Trp (NM_001406766.1, NM_001406767.1, NM_001406770.1); short protein forms R313W, R59W, R270W, R217W.
Identifiers: ClinVar variation 381593 (VCV000381593.21), dbSNP rs1057521089, ClinGen allele CA16606015.

ClinVar aggregate classification (germline): Uncertain significance. Review status: criteria provided, multiple submitters, no conflicts (2 of 4 stars). 5 submissions from 5 submitters: Uncertain significance (5). Last evaluated 2025-10-26.

Conditions:
Hereditary cancer-predisposing syndrome. Also called: Tumor predisposition; Hereditary neoplastic syndrome; Neoplastic Syndromes, Hereditary; Hereditary Cancer Syndrome. Identifiers: Orphanet 140162, MedGen C0027672, MeSH D009386, MONDO:0015356.
Multiple endocrine neoplasia, type 2 (MEN2). Identifiers: Orphanet 653, MedGen C4048306, MONDO:0019003. Disease mechanism: gain of function.

Allele frequency attached by ClinVar (database versions not stated): gnomAD exomes below 0.00001; TOPMed below 0.00001; gnomAD 0.00001.
gnomAD v4.1: 6 of 1,613,370 alleles (0.00037%); highest among the groups gnomAD compares: South Asian, 0.0011%; no homozygotes.

Submissions (5):

Labcorp Genetics (formerly Invitae), Labcorp
Classification: Uncertain significance for Multiple endocrine neoplasia, type 2. Last evaluated: 2025-10-26. Review status: criteria provided, single submitter. Criteria: Invitae Variant Classification Sherloc (09022015). Collection method: clinical testing. Allele origin: germline.
Comment: This sequence change replaces arginine, which is basic and polar, with tryptophan, which is neutral and slightly polar, at codon 313 of the RET protein (p.Arg313Trp). This variant is not present in population databases (gnomAD no frequency). This missense change has been observed in individual(s) with Hirschsprung disease (PMID: 21995290, 23372769). ClinVar contains an entry for this variant (Variation ID: 381593). An algorithm developed to predict the effect of missense changes on protein structure and function (PolyPhen-2) suggests that this variant is likely to be disruptive. In summary, the available evidence is currently insufficient to determine the role of this variant in disease. Therefore, it has been classified as a Variant of Uncertain Significance.

Ambry Genetics
Classification: Uncertain significance for Hereditary cancer-predisposing syndrome. Last evaluated: 2025-08-28. Review status: criteria provided, single submitter. Criteria: Ambry Variant Classification Scheme 2023. Collection method: clinical testing. Allele origin: germline.
Comment: The p.R313W variant (also known as c.937C>T), located in coding exon 5 of the RET gene, results from a C to T substitution at nucleotide position 937. The arginine at codon 313 is replaced by tryptophan, an amino acid with dissimilar properties. This variant has been previously reported in Spanish individuals with Hirschsprung disease (N&uacute;&ntilde;ez-Torres et al., BMC Med. Genet. 2011 Oct;12:138; Luz&oacute;n-Toro B et al. PLoS ONE, 2013 Jan;8:e54800). This amino acid position is not well conserved in available vertebrate species. In addition, the in silico prediction for this alteration is inconclusive. Based on the available evidence, the clinical significance of this variant remains unclear.

GeneDx
Classification: Uncertain significance. Last evaluated: 2024-09-25. Review status: criteria provided, single submitter. Criteria: GeneDx Variant Classification Process June 2021. Collection method: clinical testing. Allele origin: germline. Affected: yes.
Comment: Not observed at significant frequency in large population cohorts (gnomAD); In silico analysis supports that this missense variant has a deleterious effect on protein structure/function; This variant is associated with the following publications: (PMID: 21995290, 14633923, 33057194, 23372769, 35982159)

All of Us Research Program, National Institutes of Health
Classification: Uncertain significance for Multiple endocrine neoplasia, type 2. Last evaluated: 2023-08-15. Review status: criteria provided, single submitter. Criteria: ACMG Guidelines, 2015. Collection method: clinical testing. Allele origin: germline. Inheritance: Autosomal dominant inheritance. Observed: 1 variant allele, 1 heterozygote.
Comment: This study involves interpretation of variants in research participants for the purpose of population health screening. Participant phenotype was not available at the time of variant classification. Additional details can be found in publication PMID: 35346344, PMCID: PMC8962531

Laboratory for Molecular Medicine, Mass General Brigham Personalized Medicine
Classification: Uncertain significance. Last evaluated: 2016-06-23. Review status: criteria provided, single submitter. Criteria: LMM Criteria. Collection method: clinical testing. Allele origin: germline.
Comment: Variant identified in a genome or exome case(s) and assessed due to predicted null impact of the variant or pathogenic assertions in the literature or databases. Disclaimer: This variant has not undergone full assessment. The following are preliminary notes: 1 report in hirschsprung proband

Literature cited by the submitters: PubMed 21995290 (cited by Labcorp Genetics (formerly Invitae), Labcorp and Ambry Genetics); PubMed 23372769 (cited by Labcorp Genetics (formerly Invitae), Labcorp and Ambry Genetics).